The following is an entry in ClinVar:

ClinVar aggregate classification (germline): Conflicting classifications of pathogenicity. Review status: criteria provided, conflicting classifications (1 of 4 stars). 7 submissions from 7 submitters: Pathogenic (1); Uncertain significance (6). Last evaluated 2026-08-06.

Conditions:
Cardiovascular phenotype. Identifiers: MedGen CN230736.
Cardiomyopathy (CMYO). Also called: Cardiomyopathies. Identifiers: Orphanet 167848, MedGen C0878544, MONDO:0004994, HP:0001638. Inheritance: Various modes of inheritance.
Cardiomyopathy, familial restrictive, 1. Identifiers: Orphanet 75249, MedGen C1861861, MONDO:0007270, OMIM 115210.
Dilated cardiomyopathy 2A (CMD2A). Also called: CARDIOMYOPATHY, CONGESTIVE, AUTOSOMAL RECESSIVE; CARDIOMYOPATHY, DILATED, AUTOSOMAL RECESSIVE. Identifiers: Orphanet 154, MedGen C2678474, MONDO:0012746, OMIM 611880.
Hypertrophic cardiomyopathy. Also called: HYPERTROPHIC MYOCARDIOPATHY. Identifiers: Orphanet 217569, MedGen C0007194, MeSH D002312, MONDO:0005045, HP:0001639.

Allele frequency attached by ClinVar (database versions not stated): gnomAD exomes below 0.00001 and 0.00001; TOPMed 0.00007; ExAC 0.00004.
gnomAD v4.1: 5 of 1,563,440 alleles (0.00032%); highest among the groups gnomAD compares: Admixed American, 0.0019%; no homozygotes.

Submissions (7):

OLLIN Analises Genomicas, OLLIN
Classification: Uncertain significance for Cardiomyopathy, familial restrictive, 1. Last evaluated: 2026-08-06. Review status: criteria provided, single submitter. Criteria: ACMG Guidelines 2015 PMID 25741868. Collection method: clinical testing. Allele origin: germline. Inheritance: Autosomal recessive inheritance.
Comment: This synonymous variant, located in exon 4 (of 8), has been reported in ClinVar (accession VCV000181598.19), in gnomAD with an allele frequency of 0.00032%, and in the scientific literature in individuals with TNNI3 related disorders (PMID: 28359509). Although this variant does not alter the encoded amino acid, there is evidence that it affects splicing, potentially resulting in aberrant transcript processing, exon skipping, mRNA degradation via nonsense-mediated decay (NMD), or production of a truncated protein. Functional studies suggest that this variant may affect protein function (PMID: 28359509). According to the currently available evidence, this variant has been classified as uncertain significance (PS3_P, PM2_P, PP3).

Labcorp Genetics (formerly Invitae), Labcorp
Classification: Pathogenic for Hypertrophic cardiomyopathy. Last evaluated: 2025-12-15. Review status: criteria provided, single submitter. Criteria: Invitae Variant Classification Sherloc (09022015). Collection method: clinical testing. Allele origin: germline.
Comment: This sequence change affects codon 50 of the TNNI3 mRNA. It is a 'silent' change, meaning that it does not change the encoded amino acid sequence of the TNNI3 protein. RNA analysis indicates that this variant induces altered splicing and likely results in a shortened protein product. This variant is not present in population databases (gnomAD no frequency). This variant has been observed in individuals with clinical features of autosomal recessive dilated cardiomyopathy (PMID: 28359509, 35838873; internal data). It has also been observed to segregate with disease in related individuals. ClinVar contains an entry for this variant (Variation ID: 181598). Variants that disrupt the consensus splice site are a relatively common cause of aberrant splicing (PMID: 17576681, 9536098). Studies have shown that this variant results in skipping of exon 4, but is expected to preserve the integrity of the reading-frame (PMID: 28359509, 35838873). For these reasons, this variant has been classified as Pathogenic.

Dasa
Classification: Uncertain significance for Dilated cardiomyopathy 2A. Last evaluated: 2025-10-21. Review status: criteria provided, single submitter. Criteria: DASA Assertion Criteria. Collection method: clinical testing. Allele origin: germline.
Comment: NM_000363.5(TNNI3):c.150G>A (p.Lys50=) is a synonymous variant predicted not to alter the encoded amino acid sequence. This variant has been reported in individuals with TNNI3-related disorders (PMID: 28359509). Also, this variant is rare in population databases. Computational prediction algorithms are consistent with a deleterious effect. The currently available literature and clinical evidence are not sufficient to establish a definitive association between this variant and the reported condition. Therefore, this variant is classified as a variant of uncertain significance.

GeneDx
Classification: Uncertain significance. Last evaluated: 2024-09-18. Review status: criteria provided, single submitter. Criteria: GeneDx Variant Classification Process June 2021. Collection method: clinical testing. Allele origin: germline. Affected: yes.
Comment: Not observed at significant frequency in large population cohorts (gnomAD); In silico analysis supports a deleterious effect on splicing; This variant is associated with the following publications: (PMID: 28359509, 35838873)

Color Diagnostics, LLC DBA Color Health
Classification: Uncertain significance for Cardiomyopathy. Last evaluated: 2024-02-01. Review status: criteria provided, single submitter. Criteria: ACMG Guidelines, 2015. Collection method: clinical testing. Allele origin: germline.
Comment: This synonymous variant does not change the encoded amino acid at codon 50 of the TNNI3 protein, but it causes a G to A substitution at the last nucleotide of exon 4 of the TNNI3 gene. Splice site prediction tools suggest that this variant may have a significant impact on RNA splicing. An in-vitro exon trapping functional study has shown that this variant may cause exon skipping while preserving the reading-frame (PMID: 28359509). This variant has been reported in homozygous state in one individual affected with dilated cardiomyopathy and acute myocarditis (PMID: 28359509). This variant has been identified in 2/173946 chromosomes in the general population by the Genome Aggregation Database (gnomAD). Clinical relevance of loss-of-function truncation and splice variants in the TNNI3 gene is not clearly established. The available evidence is insufficient to determine the role of this variant in disease conclusively. Therefore, this variant is classified as a Variant of Uncertain Significance.

All of Us Research Program, National Institutes of Health
Classification: Uncertain significance for Hypertrophic cardiomyopathy. Last evaluated: 2023-11-28. Review status: criteria provided, single submitter. Criteria: ACMG Guidelines, 2015. Collection method: clinical testing. Allele origin: germline. Inheritance: Autosomal dominant inheritance. Observed: 2 variant alleles, 2 heterozygotes.
Comment: This synonymous variant does not change the encoded amino acid at codon 50 of the TNNI3 protein, but it causes a G to A substitution at the last nucleotide of exon 4 of the TNNI3 gene. Splice site prediction tools suggest that this variant may have a significant impact on RNA splicing. An in-vitro exon trapping functional study has shown that this variant may cause exon skipping while preserving the reading-frame (PMID: 28359509). This variant has been reported in homozygous state in one individual affected with dilated cardiomyopathy and acute myocarditis (PMID: 28359509). This variant has been identified in 2/173946 chromosomes in the general population by the Genome Aggregation Database (gnomAD). Clinical relevance of loss-of-function truncation and splice variants in the TNNI3 gene is not clearly established. The available evidence is insufficient to determine the role of this variant in disease conclusively. Therefore, this variant is classified as a Variant of Uncertain Significance.

This study involves interpretation of variants in research participants for the purpose of population health screening. Participant phenotype was not available at the time of variant classification. Additional details can be found in publication PMID: 35346344, PMCID: PMC8962531

Ambry Genetics
Classification: Uncertain significance for Cardiovascular phenotype. Last evaluated: 2022-03-16. Review status: criteria provided, single submitter. Criteria: Ambry Variant Classification Scheme 2023. Collection method: clinical testing. Allele origin: germline.
Comment: The c.150G>A (p.K50K) alteration is located in exon 4 (coding exon 4) of the TNNI3 gene. This alteration consists of a G to A substitution at nucleotide position 150. This nucleotide substitution does not change the amino acid at codon 50. However, this change occurs in the last nucleotide of Exon 4 (c.109_150) which makes it likely to have some effect on normal mRNA splicing. Based on insufficient or conflicting evidence, the clinical significance of this alteration remains unclear.

Literature cited by the submitters: PubMed 28359509 (cited by 5 submitters); PubMed 35838873 (cited by Labcorp Genetics (formerly Invitae), Labcorp); PubMed 17576681 (cited by Labcorp Genetics (formerly Invitae), Labcorp); PubMed 9536098 (cited by Labcorp Genetics (formerly Invitae), Labcorp).

NM_000363.5(TNNI3):c.150G>A (p.Lys50=)

Gene: TNNI3 (troponin I3, cardiac type; minus strand). Cytogenetic location: 19q13.42.
Variant type: single nucleotide variant.
Coding change: c.150G>A on transcript NM_000363.5 (MANE Select); coding-DNA position 150, G replaced by A.
Protein change: p.Lys50=; no amino-acid change (lysine 50 retained).
Molecular consequence: synonymous variant.
Genome position (GRCh38, 1-based): chr19:55,156,603, C>T on the plus strand (G>A on the coding strand, the complement: TNNI3 is on the minus strand). VCF-style: chr19-55156603-C-T. GRCh37 (hg19) VCF-style: chr19-55667971-C-T.
Other names: p.K50K:AAG>AAA; c.150G>A (LRG_432t1).
Identifiers: ClinVar variation 181598 (VCV000181598.21), dbSNP rs730881086, ClinGen allele CA021303.